The following is an entry in ClinVar:

ClinVar aggregate classification (germline): Uncertain significance (1 of 4 stars; one submission).

Conditions:
Hereditary hemorrhagic telangiectasia (HHT). Also called: ORW DISEASE; Osler Weber Rendu syndrome; OSLER-RENDU-WEBER DISEASE; Osler hemorrhagic telangiectasia syndrome. Identifiers: Orphanet 774, MedGen C0039445, MONDO:0019180. Disease mechanism: loss of function.

Allele frequency attached by ClinVar (database versions not stated): gnomAD 0.00001; TOPMed 0.00002; gnomAD exomes below 0.00001.

Submission:

Labcorp Genetics (formerly Invitae), Labcorp
Classification: Uncertain significance for Hereditary hemorrhagic telangiectasia. Last evaluated: 2022-07-05. Review status: criteria provided, single submitter. Criteria: Invitae Variant Classification Sherloc (09022015). Collection method: clinical testing. Allele origin: germline.
Comment: This variant, c.534_536del, results in the deletion of 1 amino acid(s) of the ENG protein (p.Leu179del), but otherwise preserves the integrity of the reading frame. This variant is not present in population databases (gnomAD no frequency). This variant has not been reported in the literature in individuals affected with ENG-related conditions. ClinVar contains an entry for this variant (Variation ID: 653938). Experimental studies and prediction algorithms are not available or were not evaluated, and the functional significance of this variant is currently unknown. In summary, the available evidence is currently insufficient to determine the role of this variant in disease. Therefore, it has been classified as a Variant of Uncertain Significance.

NM_001114753.3(ENG):c.534_536del (p.Leu179del)

Gene: ENG (endoglin; minus strand). Cytogenetic location: 9q34.11.
Variant type: Deletion.
Coding change: c.534_536del on transcript NM_001114753.3 (MANE Select); coding-DNA positions 534 to 536, 3 bases deleted (ACT; older notation c.534_536delACT).
Protein change: p.Leu179del; deletes leucine 179.
Molecular consequence: inframe deletion. On other transcripts: inframe indel (2), 5 prime UTR variant (1).
Genome position (GRCh38, 1-based): chr9:127,825,848-127,825,850, AGT deleted on the plus strand (ACT on the coding strand, the reverse complement: ENG is on the minus strand). VCF-style (leftmost placement, unchanged base first): chr9-127825847-CAGT-C. GRCh37 (hg19) VCF-style: chr9-130588126-CAGT-C.
Other names: c.534_536delACT (NM_000118.3); c.534_536delACT, p.Leu179del (NM_000118.4, NM_001406715.1); c.-13_-11del (NM_001278138.2); short protein forms L179del.
Identifiers: ClinVar variation 653938 (VCV000653938.10), dbSNP rs1285249384, ClinGen allele CA860198098.
Genomic context (GRCh38, chr9:127,825,847, plus strand): 5'-ACGCGGCCGCCACTCGAGCGTGCGGCCCATGTCCTGGCTGGCTTCCAGCATGCAGAAGGA[CAGT>C]GACCCCTGGGCTGCAGAGACACGCGCACCTCAGTCCCTTCCCTCAGCAGCCCTGCACCTA-3'